The following is an entry in ClinVar:

NM_001195263.2(PDZD7):c.1649A>G (p.Gln550Arg)

Gene: PDZD7 (PDZ domain containing 7; minus strand). Cytogenetic location: 10q24.31.
Variant type: single nucleotide variant.
Coding change: c.1649A>G on transcript NM_001195263.2 (MANE Select); coding-DNA position 1649, A replaced by G.
Protein change: p.Gln550Arg; replaces glutamine 550 with arginine.
Molecular consequence: missense variant.
Genome position (GRCh38, 1-based): chr10:101,015,736, T>C on the plus strand (A>G on the coding strand, the complement: PDZD7 is on the minus strand). VCF-style: chr10-101015736-T-C. GRCh37 (hg19) VCF-style: chr10-102775493-T-C.
Other names: short protein forms Q550R.
Identifiers: ClinVar variation 1393534 (VCV001393534.6), dbSNP rs1852590972, ClinGen allele CA378226985.

ClinVar aggregate classification (germline): Uncertain significance (1 of 4 stars; one submission).

Submission:

Labcorp Genetics (formerly Invitae), Labcorp
Classification: Uncertain significance. Last evaluated: 2021-11-15. Review status: criteria provided, single submitter. Criteria: Invitae Variant Classification Sherloc (09022015). Collection method: clinical testing. Allele origin: germline.
Comment: Algorithms developed to predict the effect of missense changes on protein structure and function output the following: SIFT: "Deleterious"; PolyPhen-2: "Not Available"; Align-GVGD: "Class C0". The arginine amino acid residue is found in multiple mammalian species, which suggests that this missense change does not adversely affect protein function. In summary, the available evidence is currently insufficient to determine the role of this variant in disease. Therefore, it has been classified as a Variant of Uncertain Significance. This variant is not present in population databases (gnomAD no frequency). This sequence change replaces glutamine, which is neutral and polar, with arginine, which is basic and polar, at codon 550 of the PDZD7 protein (p.Gln550Arg). This variant has not been reported in the literature in individuals affected with PDZD7-related conditions.